The following is an entry in ClinVar:

NM_001378183.1(PIEZO2):c.1340C>G (p.Thr447Ser)

Gene: PIEZO2 (piezo type mechanosensitive ion channel component 2; minus strand). Cytogenetic location: 18p11.22.
Variant type: single nucleotide variant.
Coding change: c.1340C>G on transcript NM_001378183.1 (MANE Select); coding-DNA position 1340, C replaced by G.
Protein change: p.Thr447Ser; replaces threonine 447 with serine.
Molecular consequence: missense variant.
Genome position (GRCh38, 1-based): chr18:10,800,375, G>C on the plus strand (C>G on the coding strand, the complement: PIEZO2 is on the minus strand). VCF-style: chr18-10800375-G-C. GRCh37 (hg19) VCF-style: chr18-10800373-G-C.
Other names: c.1340C>G, p.Thr447Ser (NM_022068.4); short protein forms T447S.
Identifiers: ClinVar variation 1698321 (VCV001698321.2), dbSNP rs1290844138, ClinGen allele CA401925170.
Genomic context (GRCh38, chr18:10,800,375, plus strand): 5'-TGAGTGCAGGGCTGGCTCCTACCTGAGGATTCATCAGAGGGCTCCCACCGGTACTGAGGG[G>C]TGGAGTAGAGGTCGGCTTTGCCAGGGCCGTTCTCCATGGGCAGGCTTGGGTGGATGGTGT-3'
Protein context (NP_001365112.1, residues 437-457): NGPGKADLYS[Thr447Ser]PQYRWEPSDE

ClinVar aggregate classification (germline): Uncertain significance (1 of 4 stars; one submission).

Submission:

GeneDx
Classification: Uncertain significance. Last evaluated: 2022-01-24. Review status: criteria provided, single submitter. Criteria: GeneDx Variant Classification Process June 2021. Collection method: clinical testing. Allele origin: germline. Affected: yes.
Comment: Not observed at significant frequency in large population cohorts (gnomAD); In silico analysis supports that this missense variant does not alter protein structure/function; Has not been previously published as pathogenic or benign to our knowledge